The following is an entry in ClinVar:

NM_000310.4(PPT1):c.127G>A (p.Asp43Asn)

Gene: PPT1 (palmitoyl-protein thioesterase 1; minus strand). Cytogenetic location: 1p34.2.
Variant type: single nucleotide variant.
Coding change: c.127G>A on transcript NM_000310.4 (MANE Select); coding-DNA position 127, G replaced by A.
Protein change: p.Asp43Asn; replaces aspartic acid 43 with asparagine.
Molecular consequence: missense variant. On other transcripts: intron variant (1).
Genome position (GRCh38, 1-based): chr1:40,092,505, C>T on the plus strand (G>A on the coding strand, the complement: PPT1 is on the minus strand). VCF-style: chr1-40092505-C-T. GRCh37 (hg19) VCF-style: chr1-40558177-C-T.
Other names: c.127G>A, p.Asp43Asn (NM_001363695.2); c.125-2993G>A (NM_001142604.2); short protein forms D43N.
Identifiers: ClinVar variation 3767384 (VCV003767384.1).

ClinVar aggregate classification (germline): Likely pathogenic (1 of 4 stars; one submission).

Conditions:
Neuronal ceroid lipofuscinosis 1 (CLN1). Also called: PPT1-Related Neuronal Ceroid-Lipofuscinosis; CEROID LIPOFUSCINOSIS, NEURONAL, 1, VARIABLE AGE AT ONSET. Identifiers: Orphanet 228329, MedGen C1850451, MONDO:0009744, OMIM 256730.

Submission:

Unidad de Genómica Garrahan, Hospital de Pediatría Garrahan
Classification: Likely pathogenic for Neuronal ceroid lipofuscinosis 1. Last evaluated: 2025-02-07. Review status: criteria provided, single submitter. Criteria: ACMG Guidelines, 2015. Collection method: clinical testing. Allele origin: germline. Affected: yes.
Comment: PM3, PP4, PM2, PM1